The following is an entry in ClinVar:

ClinVar aggregate classification (germline): Likely pathogenic (1 of 4 stars; one submission).

Conditions:
Focal segmental glomerulosclerosis (FSGS). Also called: Glomerulosclerosis, focal; Focal sclerosis with hyalinosis. Identifiers: MedGen C0017668, MONDO:0100313, HP:0000097. Disease mechanism: loss of function.

Submission:

Molecular Lab, University of Sulaimaniyah
Classification: Likely pathogenic for Focal segmental glomerulosclerosis. Last evaluated: 2026-03-12. Review status: criteria provided, single submitter. Criteria: ACMG Guidelines, 2015. Collection method: clinical testing. Allele origin: germline. Inheritance: Autosomal recessive inheritance. Affected: yes. Observed: 1 variant allele, 1 homozygote.
Comment: This variant was classified using the ACMG/AMP 2015 framework (PMID:25741868). PVS1 was applied because CPLANE1 c.3912delA is a predicted loss-of-function frameshift variant expected to create a premature termination codon in a recessive ciliopathy-associated gene for which loss of function is an established disease mechanism. The submitted classification reflects this combination of variant type, gene-disease mechanism, and internal observation data. Overall, the weight of evidence supported a Likely pathogenic classification.

NM_001384732.1(CPLANE1):c.3912del (p.Gly1305fs)

Gene: CPLANE1 (ciliogenesis and planar polarity effector complex subunit 1; minus strand). Cytogenetic location: 5p13.2.
Variant type: Deletion.
Coding change: c.3912del on transcript NM_001384732.1 (MANE Select); coding-DNA position 3912, one base deleted (A; older notation c.3912delA).
Protein change: p.Gly1305fs; shifts the reading frame from glycine 1305.
Molecular consequence: frameshift variant.
Genome position (GRCh38, 1-based): chr5:37,187,742, T deleted on the plus strand (A on the coding strand, the reverse complement: CPLANE1 is on the minus strand); the first of 4 consecutive T bases (chr5:37,187,742-37,187,745); deleting any one gives the same sequence. VCF-style (leftmost placement, unchanged base first): chr5-37187741-CT-C. GRCh37 (hg19) VCF-style: chr5-37187843-CT-C.
Other names: c.3912del, p.Gly1305fs (NM_023073.4); short protein forms G1305fs.
Identifiers: ClinVar variation 4813863 (VCV004813863.1).